The following is an entry in ClinVar:

ClinVar aggregate classification (germline): Pathogenic. Review status: criteria provided, multiple submitters, no conflicts (2 of 4 stars). 3 submissions from 3 submitters: Pathogenic (3). Last evaluated 2025-05-21.

Conditions:
Nephronophthisis. Also called: Juvenile Nephronophthisis. Identifiers: Orphanet 655, MedGen C0687120, MONDO:0019005, HP:0000090.
Joubert syndrome. Also called: Familial aplasia of the vermis; JOUBERT-BOLTSHAUSER SYNDROME. Identifiers: Orphanet 475, MedGen C5979921, MONDO:0018772.
Meckel-Gruber syndrome. Also called: Dysencephalia splachnocystica; DYSENCEPHALIA SPLANCHNOCYSTICA; GRUBER SYNDROME. Identifiers: Orphanet 564, MedGen C0265215, MONDO:0018921.
Leber congenital amaurosis (LCA). Also called: Leber's amaurosis. Identifiers: Orphanet 65, MedGen C0339527, MeSH D057130, MONDO:0018998.

Submissions (3):

Natera, Inc.
Classification: Pathogenic for Leber congenital amaurosis. Last evaluated: 2025-05-21. Review status: criteria provided, single submitter. Criteria: Natera Variant Classification Schema (03/2026). Collection method: clinical testing. Allele origin: germline.
Comment: The c.3310-1_3310delGCinsAA variant in CEP290 is a canonical splice acceptor site variant predicted to affect pre-mRNA splicing, which may result in an abnormal transcript and altered protein product. This variant is expected to result in nonsense mediated decay, truncation, or a dysfunctional protein product. This variant is rare in the general population with a frequency below the threshold expected for the associated phenotype(s). This variant has been observed in one or more individuals affected with the associated recessive disease, as either homozygous or compound heterozygous with a second variant (PMID: 20683928). Another variant at this same site results in an alteration predicted to cause a similar molecular effect has been observed in individual(s) with the associated phenotype. Given the available evidence, this variant is classified as Pathogenic.

Labcorp Genetics (formerly Invitae), Labcorp
Classification: Pathogenic for Joubert syndrome; Meckel-Gruber syndrome; Nephronophthisis. Last evaluated: 2025-03-17. Review status: criteria provided, single submitter. Criteria: Invitae Variant Classification Sherloc (09022015). Collection method: clinical testing. Allele origin: germline.
Comment: This sequence change affects a splice site in intron 29 of the CEP290 gene. It is expected to disrupt RNA splicing. Variants that disrupt the donor or acceptor splice site typically lead to a loss of protein function (PMID: 16199547), and loss-of-function variants in CEP290 are known to be pathogenic (PMID: 16909394, 17345604, 20690115). Information on the frequency of this variant in the gnomAD database is not available, as this variant may be reported differently in the database. Disruption of this splice site has been observed in individuals with Leber congenital amaurosis (PMID: 20683928). ClinVar contains an entry for this variant (Variation ID: 850684). For these reasons, this variant has been classified as Pathogenic.

CeGaT Center for Human Genetics Tuebingen
Classification: Pathogenic. Last evaluated: 2018-08-01. Review status: criteria provided, single submitter. Criteria: CeGaT Center For Human Genetics Tuebingen Variant Classification Criteria Version 2. Collection method: clinical testing. Allele origin: germline. Affected: yes. Observed: 1 variant allele.

Literature cited by the submitters: PubMed 20683928 (cited by Natera, Inc. and Labcorp Genetics (formerly Invitae), Labcorp); PubMed 16199547 (cited by Labcorp Genetics (formerly Invitae), Labcorp); PubMed 16909394 (cited by Labcorp Genetics (formerly Invitae), Labcorp); PubMed 17345604 (cited by Labcorp Genetics (formerly Invitae), Labcorp); PubMed 20690115 (cited by Labcorp Genetics (formerly Invitae), Labcorp).

NM_025114.4(CEP290):c.3310-1_3310delinsAA

Gene: CEP290 (centrosomal protein 290; minus strand). Cytogenetic location: 12q21.32.
Variant type: Indel.
Coding change: c.3310-1_3310delinsAA on transcript NM_025114.4 (MANE Select); the canonical splice acceptor site of the intron before coding-DNA position 3310 through coding-DNA position 3310, GC replaced by AA.
Molecular consequence: splice acceptor variant.
Genome position (GRCh38, 1-based): chr12:88,092,832-88,092,833, GC replaced by TT on the plus strand (GC replaced by AA on the coding strand, the reverse complement: CEP290 is on the minus strand). VCF-style: chr12-88092832-GC-TT. GRCh37 (hg19) VCF-style: chr12-88486609-GC-TT.
Other names: c.3310-1_3310delGCinsAA (NM_025114.3).
Identifiers: ClinVar variation 850684 (VCV000850684.40), dbSNP rs2037150824, ClinGen allele CA916083328.
Genomic context (GRCh38, chr12:88,092,832, plus strand): 5'-CAGCTAATTCATCTCTTAACATCTGTTCCACCTTCTGTGCATCCAAATTGATTTTGGTAA[GC>TT]TAAGGAAATGTAACAAAAAATGTTCAGATACATCAATTTTTGGTGAGGTTTTCTTTGTAA-3'